The following is an entry in ClinVar:

ClinVar aggregate classification (germline): Uncertain significance. Review status: criteria provided, multiple submitters, no conflicts (2 of 4 stars). 2 submissions from 2 submitters: Uncertain significance (2). Last evaluated 2025-10-14.

Conditions:
Hereditary cancer-predisposing syndrome. Also called: Neoplastic Syndromes, Hereditary; Tumor predisposition; Hereditary Cancer Syndrome; Hereditary neoplastic syndrome. Identifiers: Orphanet 140162, MedGen C0027672, MeSH D009386, MONDO:0015356.

Submissions (2):

Labcorp Genetics (formerly Invitae), Labcorp
Classification: Uncertain significance. Last evaluated: 2025-10-14. Review status: criteria provided, single submitter. Criteria: Invitae Variant Classification Sherloc (09022015). Collection method: clinical testing. Allele origin: germline.
Comment: This sequence change replaces aspartic acid, which is acidic and polar, with tyrosine, which is neutral and polar, at codon 91 of the NTHL1 protein (p.Asp91Tyr). Information on the frequency of this variant in the gnomAD database is not available, as this variant may be reported differently in the database. This variant has not been reported in the literature in individuals affected with NTHL1-related conditions. ClinVar contains an entry for this variant (Variation ID: 648777). Experimental studies and prediction algorithms are not available or were not evaluated, and the functional significance of this variant is currently unknown. In summary, the available evidence is currently insufficient to determine the role of this variant in disease. Therefore, it has been classified as a Variant of Uncertain Significance.

Ambry Genetics
Classification: Uncertain significance for Hereditary cancer-predisposing syndrome. Last evaluated: 2024-05-28. Review status: criteria provided, single submitter. Criteria: Ambry Variant Classification Scheme 2023. Collection method: clinical testing. Allele origin: germline.
Comment: The c.270_271delGGinsAT variant (also known as p.D91Y), located in coding exon 2 of the NTHL1 gene, results from an in-frame deletion of GG and insertion of AT at nucleotide positions 270 to 271. This results in the substitution of the aspartic acid residue for a tyrosine residue at codon 91, an amino acid with highly dissimilar properties. This amino acid position is not well conserved in available vertebrate species. In addition, the in silico prediction for this alteration is inconclusive (Choi Y et al. PLoS ONE. 2012; 7(10):e46688). Based on the available evidence, the clinical significance of this variant remains unclear.

NM_002528.7(NTHL1):c.246_247delinsAT (p.Asp83Tyr)

Gene: NTHL1 (nth like DNA glycosylase 1; minus strand). Cytogenetic location: 16p13.3.
Variant type: Indel.
Coding change: c.246_247delinsAT on transcript NM_002528.7 (MANE Select); coding-DNA positions 246 to 247, GG replaced by AT.
Protein change: p.Asp83Tyr; replaces aspartic acid 83 with tyrosine.
Molecular consequence: missense variant. On other transcripts: intron variant (1).
Genome position (GRCh38, 1-based): chr16:2,046,235-2,046,236, CC replaced by AT on the plus strand (GG replaced by AT on the coding strand, the reverse complement: NTHL1 is on the minus strand). VCF-style: chr16-2046235-CC-AT. GRCh37 (hg19) VCF-style: chr16-2096236-CC-AT.
Other names: c.246_247delinsAT, p.Asp83Tyr (LRG_1366t1, NM_001318193.2); c.270_271delinsAT (NM_002528.6); c.24+44_24+45delinsAT (NM_001318194.2); short protein forms D83Y.
Identifiers: ClinVar variation 648777 (VCV000648777.12), dbSNP rs1596222995, ClinGen allele CA915946197.
Genomic context (GRCh38, chr16:2,046,235, plus strand): 5'-CCACAGGTGCATCCTTTTTGTTCCTCATGGCACGGATGTTGACCAGCTGTTGCTGCCAGT[CC>AT]TGGGGCTCCCAGACTGGCACCTTGAGGGGCTCAGCCCCCTCACCTTTCTCACTGTCCGAG-3'
Protein context (NP_002519.2, residues 73-93): PLKVPVWEPQ[Asp83Tyr]WQQQLVNIRA